The following is an entry in ClinVar:

ClinVar aggregate classification (germline): Likely pathogenic. Review status: criteria provided, multiple submitters, no conflicts (2 of 4 stars). 2 submissions from 2 submitters: Likely pathogenic (2). Last evaluated 2017-06-09.

Conditions:
Hereditary spastic paraplegia 31. Also called: SPASTIC PARAPLEGIA 31, AUTOSOMAL DOMINANT. Identifiers: Orphanet 101011, MedGen C1853247, MONDO:0012453, OMIM 610250.

Submissions (2):

GeneDx
Classification: Likely pathogenic. Last evaluated: 2017-06-09. Review status: criteria provided, single submitter. Criteria: GeneDx Variant Classification (06012015). Collection method: clinical testing. Allele origin: germline. Affected: yes.
Comment: A variant that is likely pathogenic has been identified in the REEP1 gene. The c.538_553del16 variant has not been published as a pathogenic variant, nor has it been reported as a benign variant to our knowledge. The c.538_553del16 variant causes a frameshift starting with codon Glycine 180, changes this amino acid to a Leucine residue and creates a Stop codon at position 38 of the new reading frame, denoted p.Gly180LeufsX38. This variant is predicted to cause a protein extension as the last 22 amino acids are replaced with 37 incorrect amino acids. Furthermore, the c.538_553del16 variant is not observed in large population cohorts (Lek et al., 2016; 1000 Genomes Consortium et al., 2015; Exome Variant Server). Although the c.538_553del16 variant has not been previously reported to our knowledge, other variants in the REEP1 gene that are predicted to cause a protein extension have been reported in the Human Gene Mutation Database in association with spastic paraplegia (Stenson et al., 2014). Therefore, this variant is likely pathogenic; however, the possibility that it is benign cannot be excluded.

Labcorp Genetics (formerly Invitae), Labcorp
Classification: Likely pathogenic for Hereditary spastic paraplegia 31. Last evaluated: 2016-05-18. Review status: criteria provided, single submitter. Criteria: Invitae Variant Classification Sherloc (09022015). Collection method: clinical testing. Allele origin: germline.
Comment: This sequence change deletes 16 nucleotides from exon 6 of the REEP1 mRNA (c.538_553del), causing a frameshift at codon 180. This creates a new translational stop signal in the last exon of the REEP1 mRNA and extends the coding sequence by 16 amino acids. (p.Gly180Leufs*38). In summary, this is a novel frameshift and extension with uncertain impact on protein function. A similar variant was reported in affected individuals, however, without additional genetic or functional evidence, this variant has been classified as Likely Pathogenic. At this time, experimental studies investigating the impact of this coding sequence extension on REEP1 protein function have not been reported. A similar deletion (c.537_540del) that causes a coding sequence extension, was reported in a family affected with hereditary spastic paraplegia (PMID: 18321925). This variant is not present in population databases (ExAC no frequency) and has not been reported in the literature in individuals with a REEP1-related disease.

Literature cited by the submitters: PubMed 18321925 (cited by Labcorp Genetics (formerly Invitae), Labcorp).

NM_001371279.1(REEP1):c.538_553del (p.Gly180fs)

Gene: REEP1 (receptor accessory protein 1; minus strand). Cytogenetic location: 2p11.2.
Variant type: Deletion.
Coding change: c.538_553del on transcript NM_001371279.1 (MANE Select); coding-DNA positions 538 to 553, 16 bases deleted (GGCAAACACGGCCAGC).
Protein change: p.Gly180fs; shifts the reading frame from glycine 180.
Molecular consequence: frameshift variant. On other transcripts: intron variant (1).
Genome position (GRCh38, 1-based): chr2:86,232,667-86,232,682, GCTGGCCGTGTTTGCC deleted on the plus strand (GGCAAACACGGCCAGC on the coding strand, the reverse complement: REEP1 is on the minus strand); deleting any 16 consecutive bases within chr2:86,232,667-86,232,689 gives the same sequence; the c. name uses the placement nearest the transcript's 3' end. VCF-style (leftmost placement, unchanged base first): chr2-86232666-GGCTGGCCGTGTTTGCC-G. GRCh37 (hg19) VCF-style: chr2-86459789-GGCTGGCCGTGTTTGCC-G.
Other names: c.559_574del, p.Gly187fs (NM_001164730.2); c.457_472del, p.Gly153fs (NM_001164731.2); c.303_318del, p.Ala101_Ala102insTer (NM_001164732.2); c.538_553del, p.Gly180fs (NM_022912.3); c.418-15572_418-15557del (NM_001371280.1); c.538_553del16 (NM_022912.2); c.538_553delGGCAAACACGGCCAGC (NM_022912.2); short protein forms G180fs, G187fs, G153fs.
Identifiers: ClinVar variation 411806 (VCV000411806.9), dbSNP rs1064792986, ClinGen allele CA16611032.